The following is an entry in ClinVar:

NM_001004334.4(GPR179):c.4141T>C (p.Cys1381Arg)

Gene: GPR179 (G protein-coupled receptor 179; minus strand). Cytogenetic location: 17q12.
Variant type: single nucleotide variant.
Coding change: c.4141T>C on transcript NM_001004334.4 (MANE Select); coding-DNA position 4141, T replaced by C.
Protein change: p.Cys1381Arg; replaces cysteine 1381 with arginine.
Molecular consequence: missense variant.
Genome position (GRCh38, 1-based): chr17:38,329,428, A>G on the plus strand (T>C on the coding strand, the complement: GPR179 is on the minus strand). VCF-style: chr17-38329428-A-G. GRCh37 (hg19) VCF-style: chr17-36485311-A-G.
Other names: short protein forms C1381R.
Identifiers: ClinVar variation 888735 (VCV000888735.12), dbSNP rs4398144, ClinGen allele CA290104385.

ClinVar aggregate classification (germline): Benign. Review status: criteria provided, multiple submitters, no conflicts (2 of 4 stars). 3 submissions from 3 submitters: Benign (3). Last evaluated 2026-02-01.

Conditions:
Congenital stationary night blindness 1E. Also called: Night blindness, congenital stationary (complete), 1E, autosomal recessive. Identifiers: Orphanet 215, MedGen C3281215, MONDO:0013807, OMIM 614565.

Allele frequency attached by ClinVar (database versions not stated): gnomAD exomes 0.00048 and 0.00125; ExAC 0.00147; ESP Exome Variant Server 0.00514; gnomAD 0.00549 and 0.00592; 1000 Genomes Project 0.00619; TOPMed 0.00625; 1000 Genomes Project 30x 0.00750.
gnomAD v4.1: 1,558 of 1,614,144 alleles (0.097%); highest among the groups gnomAD compares: African/African-American, 1.9%; 18 homozygotes.

Submissions (3):

Labcorp Genetics (formerly Invitae), Labcorp
Classification: Benign. Last evaluated: 2026-02-01. Review status: criteria provided, single submitter. Criteria: Invitae Variant Classification Sherloc (09022015). Collection method: clinical testing. Allele origin: germline.

Illumina Laboratory Services, Illumina
Classification: Benign for Congenital stationary night blindness 1E. Last evaluated: 2018-01-13. Review status: criteria provided, single submitter. Criteria: ICSL Variant Classification Criteria 13 December 2019. Collection method: clinical testing. Allele origin: germline.
Comment: This variant was observed in the ICSL laboratory as part of a predisposition screen in an ostensibly healthy population. It had not been previously curated by ICSL or reported in the Human Gene Mutation Database (HGMD: prior to June 1st, 2018), and was therefore a candidate for classification through an automated scoring system. Utilizing variant allele frequency, disease prevalence and penetrance estimates, and inheritance mode, an automated score was calculated to assess if this variant is too frequent to cause the disease. Based on the score and internal cut-off values, a variant classified as benign is not then subjected to further curation. The score for this variant resulted in a classification of benign for this disease.

Breakthrough Genomics
Classification: Benign. Review status: criteria provided, single submitter. Criteria: ACMG Guidelines, 2015. Collection method: not provided. Allele origin: germline. Inheritance: Autosomal recessive inheritance. Affected: yes.